The following is an entry in ClinVar:

ClinVar aggregate classification (germline): Uncertain significance (1 of 4 stars; one submission).

Conditions:
Malignant hyperthermia, susceptibility to, 1 (MHS1). Also called: RYR1-Related Malignant Hyperthermia Susceptibility; Anesthesia related hyperthermia; Malignant hyperpyrexia; Fulminating hyperpyrexia; Pharmacogenic myopathy; Malignant hyperthermia suceptibility 1. Identifiers: Orphanet 423, MedGen C2930980, MONDO:0007783, OMIM 145600.

Submission:

All of Us Research Program, National Institutes of Health
Classification: Uncertain significance for Malignant hyperthermia, susceptibility to, 1. Last evaluated: 2023-04-03. Review status: criteria provided, single submitter. Criteria: ACMG Guidelines, 2015. Collection method: clinical testing. Allele origin: germline. Inheritance: Autosomal dominant inheritance. Observed: 1 variant allele, 1 heterozygote.
Comment: This missense variant replaces leucine with glutamine at codon 387 of the RYR1 protein. Computational prediction suggests that this variant may have deleterious impact on protein structure and function (internally defined REVEL score threshold >= 0.7, PMID: 27666373). To our knowledge, functional studies have not been reported for this variant. This variant has not been reported in individuals affected with RYR1-related disorders in the literature. This variant has not been identified in the general population by the Genome Aggregation Database (gnomAD). The available evidence is insufficient to determine the role of this variant in disease conclusively. Therefore, this variant is classified as a Variant of Uncertain Significance.

This study involves interpretation of variants in research participants for the purpose of population health screening. Participant phenotype was not available at the time of variant classification. Additional details can be found in publication PMID: 35346344, PMCID: PMC8962531

NM_000540.3(RYR1):c.1160T>A (p.Leu387Gln)

Gene: RYR1 (ryanodine receptor 1; plus strand). Cytogenetic location: 19q13.2.
Variant type: single nucleotide variant.
Coding change: c.1160T>A on transcript NM_000540.3 (MANE Select); coding-DNA position 1160, T replaced by A.
Protein change: p.Leu387Gln; replaces leucine 387 with glutamine.
Molecular consequence: missense variant.
Genome position (GRCh38, 1-based): chr19:38,451,801, T>A. VCF-style: chr19-38451801-T-A. GRCh37 (hg19) VCF-style: chr19-38942441-T-A.
Other names: c.1160T>A, p.Leu387Gln (NM_001042723.2); short protein forms L387Q.
Identifiers: ClinVar variation 3070252 (VCV003070252.1), dbSNP rs2514009666, ClinGen allele CA405683672.